The following is an entry in ClinVar:

NM_144651.5(PXDNL):c.2349C>A (p.Val783=)

Gene: PXDNL (peroxidasin like; minus strand). Cytogenetic location: 8q11.22.
Variant type: single nucleotide variant.
Coding change: c.2349C>A on transcript NM_144651.5 (MANE Select); coding-DNA position 2349, C replaced by A.
Protein change: p.Val783=; no amino-acid change (valine 783 retained).
Molecular consequence: synonymous variant.
Genome position (GRCh38, 1-based): chr8:51,409,275, G>T on the plus strand (C>A on the coding strand, the complement: PXDNL is on the minus strand). VCF-style: chr8-51409275-G-T. GRCh37 (hg19) VCF-style: chr8-52321835-G-T.
Identifiers: ClinVar variation 2658597 (VCV002658597.24), dbSNP rs376832376, ClinGen allele CA4745051.

ClinVar aggregate classification (germline): Likely benign (1 of 4 stars; one submission).

Allele frequency attached by ClinVar (database versions not stated): gnomAD exomes 0.00015; ESP Exome Variant Server 0.00130; gnomAD 0.00178; 1000 Genomes Project 0.00180; TOPMed 0.00186; ExAC 0.00189; 1000 Genomes Project 30x 0.00219.
gnomAD v4.1: 481 of 1,438,008 alleles (0.033%); highest among the groups gnomAD compares: African/African-American, 0.62%; 1 homozygote.

Submission:

CeGaT Center for Human Genetics Tuebingen
Classification: Likely benign. Last evaluated: 2022-06-01. Review status: criteria provided, single submitter. Criteria: CeGaT Center For Human Genetics Tuebingen Variant Classification Criteria Version 2. Collection method: clinical testing. Allele origin: germline. Affected: yes. Observed: 1 variant allele.
Comment: PXDNL: BP4, BP7